The following is an entry in ClinVar:

ClinVar aggregate classification (germline): Benign (1 of 4 stars; one submission).

gnomAD v4.1: 95 of 1,614,058 alleles (0.0059%); highest among the groups gnomAD compares: South Asian, 0.094%; 3 homozygotes.

Submission:

CeGaT Center for Human Genetics Tuebingen
Classification: Benign. Last evaluated: 2025-10-01. Review status: criteria provided, single submitter. Criteria: CeGaT Center For Human Genetics Tuebingen Variant Classification Criteria Version 2. Collection method: clinical testing. Allele origin: germline. Affected: yes. Observed: 1 variant allele.
Comment: MACF1: BP4, BS1, BS2

NM_001394062.1(MACF1):c.7235T>C (p.Ile2412Thr)

Gene: MACF1 (microtubule actin crosslinking factor 1; plus strand). Cytogenetic location: 1p34.3.
Variant type: single nucleotide variant.
Coding change: c.7235T>C on transcript NM_001394062.1 (MANE Select); coding-DNA position 7235, T replaced by C.
Protein change: p.Ile2412Thr; replaces isoleucine 2412 with threonine.
Molecular consequence: missense variant. On other transcripts: intron variant (1).
Genome position (GRCh38, 1-based): chr1:39,333,823, T>C. VCF-style: chr1-39333823-T-C. GRCh37 (hg19) VCF-style: chr1-39799495-T-C.
Other names: c.4629+6470T>C (NM_012090.5); short protein forms I2412T.
Identifiers: ClinVar variation 4534449 (VCV004534449.6).